The following is an entry in ClinVar:

ClinVar aggregate classification (germline): Pathogenic/Likely pathogenic. Review status: criteria provided, multiple submitters, no conflicts (2 of 4 stars). 5 submissions from 5 submitters: Pathogenic (2); Likely pathogenic (2). 1 of the submissions does not count toward it. Last evaluated 2025-11-26.

Conditions:
ACVRL1-related disorder. Also called: ACVRL1-related condition; ACVRL1-related disorders.
Cardiovascular phenotype. Identifiers: MedGen CN230736.
Telangiectasia, hereditary hemorrhagic, type 2 (HHT2). Also called: ACVRL1-Related Hereditary Hemorrhagic Telangiectasia; Telangiectasia, hereditary hemorrhagic, type II. Identifiers: Orphanet 774, MedGen C1838163, MONDO:0010880, OMIM 600376. Disease mechanism: loss of function.

Submissions (5):

Ambry Genetics
Classification: Likely pathogenic for Cardiovascular phenotype. Last evaluated: 2025-11-26. Review status: criteria provided, single submitter. Criteria: Ambry Variant Classification Scheme 2023. Collection method: clinical testing. Allele origin: germline.
Comment: The p.S305F likely pathogenic variant (also known as c.914C>T), located in coding exon 6 of the ACVRL1 gene, results from a C to T substitution at nucleotide position 914. The serine at codon 305 is replaced by phenylalanine, an amino acid with highly dissimilar properties. This variant was reported in individual(s) with features consistent with hereditary hemorrhagic telangiectasia (HHT) (Gedge F, J Mol Diagn. 2007; 9(2):258-65; McDonald J et al. Genet Med, 2020 Jul;22:1201-1205; Ambry internal data). This variant is considered to be rare based on population cohorts in the Genome Aggregation Database (gnomAD). This amino acid position is highly conserved on sequence alignment. In addition, this alteration is predicted to be deleterious by in silico analysis. Based on the majority of available evidence to date, this variant is likely to be pathogenic.

Labcorp Genetics (formerly Invitae), Labcorp
Classification: Pathogenic for Telangiectasia, hereditary hemorrhagic, type 2. Last evaluated: 2025-11-03. Review status: criteria provided, single submitter. Criteria: Invitae Variant Classification Sherloc (09022015). Collection method: clinical testing. Allele origin: germline.
Comment: This sequence change replaces serine, which is neutral and polar, with phenylalanine, which is neutral and non-polar, at codon 305 of the ACVRL1 protein (p.Ser305Phe). This variant is not present in population databases (gnomAD no frequency). This missense change has been observed in individuals with hereditary hemorrhagic telangiectasia (PMID: 17384219, 29171923; internal data). It has also been observed to segregate with disease in related individuals. ClinVar contains an entry for this variant (Variation ID: 439382). Invitae Evidence Modeling of protein sequence and biophysical properties (such as structural, functional, and spatial information, amino acid conservation, physicochemical variation, residue mobility, and thermodynamic stability) indicates that this missense variant is expected to disrupt ACVRL1 protein function with a positive predictive value of 95%. This variant disrupts the p.Ser305 amino acid residue in ACVRL1. Other variant(s) that disrupt this residue have been observed in individuals with ACVRL1-related conditions (PMID: 15712271, 17384219, 29171923; internal data), which suggests that this may be a clinically significant amino acid residue. For these reasons, this variant has been classified as Pathogenic.

ARUP Laboratories, Molecular Genetics and Genomics, ARUP Laboratories
Classification: Pathogenic for Telangiectasia, hereditary hemorrhagic, type 2. Last evaluated: 2023-09-04. Review status: criteria provided, single submitter. Criteria: ARUP Molecular Germline Variant Investigation Process 2024. Collection method: clinical testing. Allele origin: germline.
Comment: The ACVRL1 c.914C>T; p.Ser305Phe variant is reported in the literature in individuals affected with symptoms of HHT (Gedge 2007, Saliou 2017), and has been identified by our laboratory in several other affected individuals. This variant is also reported in ClinVar (Variation ID: 439382). It is absent from general population databases (Exome Variant Server, Genome Aggregation Database), indicating it is not a common polymorphism. The serine at codon 305 is highly conserved, and computational analyses (SIFT, PolyPhen-2) predict that this variant is deleterious. Additionally, two other variants at this codon (Ser305Pro, Ser305Tyr) have been reported in association with HHT or pulmonary arterial hypertension (Abdalla 2005, Yang 2018), giving further support for the importance of this residue. Based on available information, this variant is considered to be pathogenic. References: Abdalla SA et al. Novel mutations and polymorphisms in genes causing hereditary hemorrhagic telangiectasia. Hum Mutat. 2005 Mar;25(3):320-1. Gedge F et al. Clinical and analytical sensitivities in hereditary hemorrhagic telangiectasia testing and a report of de novo mutations. J Mol Diagn. 2007 Apr;9(2):258-65. Saliou G et al. Clinical and genetic findings in children with central nervous system arteriovenous fistulas. Ann Neurol. 2017 Dec;82(6):972-980. Yang H et al. Genetic analyses in a cohort of 191 pulmonary arterial hypertension patients. Respir Res. 2018 May 9;19(1):87.

Revvity Omics, Revvity
Classification: Likely pathogenic for Telangiectasia, hereditary hemorrhagic, type 2. Last evaluated: 2021-08-17. Review status: criteria provided, single submitter. Criteria: ACMG Guidelines, 2015. Collection method: clinical testing. Allele origin: germline.

PreventionGenetics, part of Exact Sciences
Classification: Pathogenic for ACVRL1-related condition. Last evaluated: 2024-05-02. Review status: no assertion criteria provided. Collection method: clinical testing. Allele origin: germline. Not counted in ClinVar's aggregate classification.
Comment: The ACVRL1 c.914C>T variant is predicted to result in the amino acid substitution p.Ser305Phe. This variant was reported in an individual with an arteriovenous fistula (Supplemental Table 1 in Saliou et al 2017. PubMed ID: 29171923) and in individuals with hereditary hemorrhagic telangiectasia (HHT) (Table S1 in McDonald J et al 2020. PubMed ID: 32300199; Gedge et al. 2007. PubMed ID: 17384219). This variant has not been reported in a large population database, indicating this variant is rare. Of note, other variants impacting the same amino acid (p.Ser305Pro and p.Ser305Tyr) have also been reported in individuals with ACVRL1-related disease (Abdalla et al. 2005. PubMed ID: 15712271; Table S2 in Yang et al. 2018. PubMed ID: 29743074). Based on this evidence, we interpret the c.914C>T (p.Ser305Phe) variant as pathogenic.

Literature cited by the submitters: PubMed 17384219 (cited by Ambry Genetics and Labcorp Genetics (formerly Invitae), Labcorp); PubMed 29171923 (cited by Ambry Genetics and Labcorp Genetics (formerly Invitae), Labcorp); PubMed 32300199 (cited by Ambry Genetics); PubMed 15712271 (cited by Labcorp Genetics (formerly Invitae), Labcorp).

NM_000020.3(ACVRL1):c.914C>T (p.Ser305Phe)

Gene: ACVRL1 (activin A receptor like type 1; plus strand). Cytogenetic location: 12q13.13.
Variant type: single nucleotide variant.
Coding change: c.914C>T on transcript NM_000020.3 (MANE Select); coding-DNA position 914, C replaced by T.
Protein change: p.Ser305Phe; replaces serine 305 with phenylalanine.
Molecular consequence: missense variant.
Genome position (GRCh38, 1-based): chr12:51,915,366, C>T. VCF-style: chr12-51915366-C-T. GRCh37 (hg19) VCF-style: chr12-52309150-C-T.
Other names: c.914C>T, p.Ser305Phe (NM_001077401.2); short protein forms S305F.
Identifiers: ClinVar variation 439382 (VCV000439382.28), dbSNP rs1555153126, ClinGen allele CA384900954.